The following is an entry in ClinVar:

NM_004655.4(AXIN2):c.2121G>A (p.Val707=)

Gene: AXIN2 (axin 2; minus strand). Cytogenetic location: 17q24.1.
Variant type: single nucleotide variant.
Coding change: c.2121G>A on transcript NM_004655.4 (MANE Select); coding-DNA position 2121, G replaced by A.
Protein change: p.Val707=; no amino-acid change (valine 707 retained).
Molecular consequence: synonymous variant.
Genome position (GRCh38, 1-based): chr17:65,536,340, C>T on the plus strand (G>A on the coding strand, the complement: AXIN2 is on the minus strand). VCF-style: chr17-65536340-C-T. GRCh37 (hg19) VCF-style: chr17-63532458-C-T.
Other names: c.2121G>A (NM_004655.3); c.1926G>A, p.Val642= (NM_001363813.1).
Identifiers: ClinVar variation 1093127 (VCV001093127.15), dbSNP rs2144439332, ClinGen allele CA501476182.

ClinVar aggregate classification (germline): Conflicting classifications of pathogenicity. Review status: criteria provided, conflicting classifications (1 of 4 stars). 5 submissions from 5 submitters: Uncertain significance (2); Benign (1); Likely benign (2). Last evaluated 2025-03-04.

Conditions:
Hereditary cancer-predisposing syndrome. Also called: Hereditary Cancer Syndrome; Neoplastic Syndromes, Hereditary; Hereditary neoplastic syndrome; Tumor predisposition. Identifiers: Orphanet 140162, MedGen C0027672, MeSH D009386, MONDO:0015356.
Oligodontia-cancer predisposition syndrome. Also called: TOOTH AGENESIS-COLORECTAL CANCER SYNDROME. Identifiers: Orphanet 300576, MedGen C1837750, MONDO:0012075, OMIM 608615. Disease mechanism: loss of function.

Submissions (5):

Center for Genomic Medicine, Rigshospitalet, Copenhagen University Hospital
Classification: Uncertain significance. Last evaluated: 2025-03-04. Review status: criteria provided, single submitter. Criteria: ACMG Guidelines, 2015. Collection method: clinical testing. Allele origin: germline.

Ambry Genetics
Classification: Likely benign for Hereditary cancer-predisposing syndrome. Last evaluated: 2024-07-24. Review status: criteria provided, single submitter. Criteria: Ambry Variant Classification Scheme 2023. Collection method: clinical testing. Allele origin: germline.

Myriad Genetics, Inc.
Classification: Benign for Oligodontia-cancer predisposition syndrome. Last evaluated: 2024-07-09. Review status: criteria provided, single submitter. Criteria: Myriad Autosomal Dominant, Autosomal Recessive and X-Linked Classification Criteria (2023). Collection method: clinical testing. Allele origin: unknown.
Comment: This variant is considered benign. This variant is a silent/synonymous amino acid change and it is not expected to impact splicing.

GeneDx
Classification: Uncertain significance. Last evaluated: 2023-10-31. Review status: criteria provided, single submitter. Criteria: GeneDx Variant Classification Process June 2021. Collection method: clinical testing. Allele origin: germline. Affected: yes.
Comment: Not observed at significant frequency in large population cohorts (gnomAD); In silico analysis supports that this variant has a deleterious effect on splicing; Has not been previously published as pathogenic or benign to our knowledge; This variant is associated with the following publications: (PMID: 27535533)

Labcorp Genetics (formerly Invitae), Labcorp
Classification: Likely benign for Oligodontia-cancer predisposition syndrome. Last evaluated: 2023-05-24. Review status: criteria provided, single submitter. Criteria: Invitae Variant Classification Sherloc (09022015). Collection method: clinical testing. Allele origin: germline.